The following is an entry in ClinVar:

NM_015971.4(MRPS7):c.574C>T (p.Arg192Trp)

Gene: MRPS7 (mitochondrial ribosomal protein S7; plus strand). Cytogenetic location: 17q25.1.
Variant type: single nucleotide variant.
Coding change: c.574C>T on transcript NM_015971.4 (MANE Select); coding-DNA position 574, C replaced by T.
Protein change: p.Arg192Trp; replaces arginine 192 with tryptophan.
Molecular consequence: missense variant.
Genome position (GRCh38, 1-based): chr17:75,265,768, C>T. VCF-style: chr17-75265768-C-T. GRCh37 (hg19) VCF-style: chr17-73261849-C-T.
Other names: short protein forms R192W.
Identifiers: ClinVar variation 2374886 (VCV002374886.5), dbSNP rs769364430, ClinGen allele CA8760448.

ClinVar aggregate classification (germline): Uncertain significance. Review status: criteria provided, multiple submitters, no conflicts (2 of 4 stars). 2 submissions from 2 submitters: Uncertain significance (2). Last evaluated 2025-01-28.

Allele frequency attached by ClinVar (database versions not stated): ExAC 0.00005; TOPMed 0.00005; gnomAD 0.00007; gnomAD exomes 0.00009.
gnomAD v4.1: 138 of 1,614,032 alleles (0.0086%); highest among the groups gnomAD compares: Non-Finnish European, 0.011%; no homozygotes.

Submissions (2):

Labcorp Genetics (formerly Invitae), Labcorp
Classification: Uncertain significance. Last evaluated: 2025-01-28. Review status: criteria provided, single submitter. Criteria: Invitae Variant Classification Sherloc (09022015). Collection method: clinical testing. Allele origin: germline.
Comment: This sequence change replaces arginine, which is basic and polar, with tryptophan, which is neutral and slightly polar, at codon 192 of the MRPS7 protein (p.Arg192Trp). This variant is present in population databases (rs769364430, gnomAD 0.01%). This variant has not been reported in the literature in individuals affected with MRPS7-related conditions. ClinVar contains an entry for this variant (Variation ID: 2374886). Invitae Evidence Modeling of protein sequence and biophysical properties (such as structural, functional, and spatial information, amino acid conservation, physicochemical variation, residue mobility, and thermodynamic stability) has been performed for this missense variant. However, the output from this modeling did not meet the statistical confidence thresholds required to predict the impact of this variant on MRPS7 protein function. In summary, the available evidence is currently insufficient to determine the role of this variant in disease. Therefore, it has been classified as a Variant of Uncertain Significance.

Ambry Genetics
Classification: Uncertain significance. Last evaluated: 2025-01-04. Review status: criteria provided, single submitter. Criteria: Ambry Variant Classification Scheme 2023. Collection method: clinical testing. Allele origin: germline.